The following is an entry in ClinVar:

ClinVar aggregate classification (germline): Uncertain significance (1 of 4 stars; one submission).

Conditions:
Hereditary cancer-predisposing syndrome. Also called: Neoplastic Syndromes, Hereditary; Hereditary neoplastic syndrome; Hereditary Cancer Syndrome; Tumor predisposition. Identifiers: Orphanet 140162, MedGen C0027672, MeSH D009386, MONDO:0015356.

Allele frequency attached by ClinVar (database versions not stated): gnomAD exomes below 0.00001.
gnomAD v4.1: 2 of 1,614,042 alleles (0.00012%); highest among the groups gnomAD compares: Non-Finnish European, 0.00017%; no homozygotes.

Submission:

Ambry Genetics
Classification: Uncertain significance for Hereditary cancer-predisposing syndrome. Last evaluated: 2026-08-20. Review status: criteria provided, single submitter. Criteria: Ambry Variant Classification Scheme 2023. Collection method: clinical testing. Allele origin: germline.
Comment: The p.D817H variant (also known as c.2449G>C), located in coding exon 4 of the MSH6 gene, results from a G to C substitution at nucleotide position 2449. The aspartic acid at codon 817 is replaced by histidine, an amino acid with similar properties. This amino acid position is highly conserved in available vertebrate species. In addition, this alteration is predicted to be deleterious by in silico analysis. Based on the available evidence, the clinical significance of this variant remains unclear.

NM_000179.3(MSH6):c.2449G>C (p.Asp817His)

Gene: MSH6 (mutS homolog 6; plus strand). Cytogenetic location: 2p16.3.
Variant type: single nucleotide variant.
Coding change: c.2449G>C on transcript NM_000179.3 (MANE Select); coding-DNA position 2449, G replaced by C.
Protein change: p.Asp817His; replaces aspartic acid 817 with histidine.
Molecular consequence: missense variant.
Genome position (GRCh38, 1-based): chr2:47,800,432, G>C. VCF-style: chr2-47800432-G-C. GRCh37 (hg19) VCF-style: chr2-48027571-G-C.
Other names: c.2059G>C, p.Asp687His (NM_001281492.2); c.1543G>C, p.Asp515His (NM_001281493.2, NM_001281494.2); short protein forms D817H, D515H, D687H.
Identifiers: ClinVar variation 483808 (VCV000483808.6), dbSNP rs1553413805, ClinGen allele CA346754065.
Genomic context (GRCh38, chr2:47,800,432, plus strand): 5'-GACCTCATGGTTGTGCCTGACAAAATCTCCGAAGTTGTAGAGCTTCTAAAGAAGCTTCCA[G>C]ATCTTGAGAGGCTACTCAGTAAAATTCATAATGTTGGGTCTCCCCTGAAGAGTCAGAACC-3'
Protein context (NP_000170.1, residues 807-827): EVVELLKKLP[Asp817His]LERLLSKIHN